The following is an entry in ClinVar:

NM_032409.3(PINK1):c.434C>T (p.Thr145Met)

Gene: PINK1 (PTEN induced kinase 1; plus strand). Cytogenetic location: 1p36.12.
Variant type: single nucleotide variant.
Coding change: c.434C>T on transcript NM_032409.3 (MANE Select); coding-DNA position 434, C replaced by T.
Protein change: p.Thr145Met; replaces threonine 145 with methionine.
Molecular consequence: missense variant.
Genome position (GRCh38, 1-based): chr1:20,637,888, C>T. VCF-style: chr1-20637888-C-T. GRCh37 (hg19) VCF-style: chr1-20964381-C-T.
Other names: short protein forms T145M.
Identifiers: ClinVar variation 286781 (VCV000286781.23), dbSNP rs45604240, ClinGen allele CA660427.

ClinVar aggregate classification (germline): Conflicting classifications of pathogenicity. Review status: criteria provided, conflicting classifications (1 of 4 stars). 5 submissions from 5 submitters: Uncertain significance (4); Likely benign (1). Last evaluated 2022-05-08.

Conditions:
Autosomal recessive early-onset Parkinson disease 6 (PARK6). Also called: PARKINSON DISEASE 6, EARLY-ONSET; PARKINSON DISEASE 6, MODIFIER OF; PINK1 Type of Young-Onset Parkinson Disease; PINK1-Related Parkinson Disease. Identifiers: Orphanet 2828, MedGen C1853833, MONDO:0011613, OMIM 605909.

Allele frequency attached by ClinVar (database versions not stated): gnomAD 0.00001 and 0.00002; ExAC 0.00002; gnomAD exomes 0.00003 and 0.00004; TOPMed 0.00003; ESP Exome Variant Server 0.00008.
gnomAD v4.1: 63 of 1,614,078 alleles (0.0039%); highest among the groups gnomAD compares: Middle Eastern, 0.41%; 1 homozygote.

Submissions (5):

Labcorp Genetics (formerly Invitae), Labcorp
Classification: Uncertain significance for Autosomal recessive early-onset Parkinson disease 6. Last evaluated: 2022-05-08. Review status: criteria provided, single submitter. Criteria: Invitae Variant Classification Sherloc (09022015). Collection method: clinical testing. Allele origin: germline.
Comment: This sequence change replaces threonine, which is neutral and polar, with methionine, which is neutral and non-polar, at codon 145 of the PINK1 protein (p.Thr145Met). This variant is present in population databases (rs45604240, gnomAD 0.006%). This missense change has been observed in individual(s) with parkinsonism (PMID: 18685134). ClinVar contains an entry for this variant (Variation ID: 286781). Algorithms developed to predict the effect of missense changes on protein structure and function output the following: SIFT: "Deleterious"; PolyPhen-2: "Benign"; Align-GVGD: "Class C0". The methionine amino acid residue is found in multiple mammalian species, which suggests that this missense change does not adversely affect protein function. Experimental studies have shown that this missense change does not substantially affect PINK1 function (PMID: 23459931). In summary, the available evidence is currently insufficient to determine the role of this variant in disease. Therefore, it has been classified as a Variant of Uncertain Significance.

ARUP Laboratories, Molecular Genetics and Genomics, ARUP Laboratories
Classification: Likely benign. Last evaluated: 2018-04-20. Review status: criteria provided, single submitter. Criteria: ARUP Molecular Germline Variant Investigation Process. Collection method: clinical testing. Allele origin: germline.
Comment: The c.434C>T; p.Thr145Met variant (rs45604240, ClinVar variant ID 286781) was detected in one individual among the control cohort in a screen for PINK1 pathogenic variants (Marongiu 2008), and a functional study demonstrated that this variant protein retained the wild-type ability to recruit Parkin protein to mitochondria, while known pathogenic variants had lost this activity (Narendra 2013). This variant is listed in the genome Aggregation Database (gnomAD) with an overall population frequency of 0.003% (identified on 7 out of 246,228 chromosomes). The threonine at position 145 is moderately conserved, considering 12 species, and computational analyses of the effects of the p.Thr145Met variant on protein structure and function do not predict a deleterious effect (SIFT: tolerated, PolyPhen-2: benign). Based on the available information, the p.Thr145Met variant is likely to be benign.

Illumina Laboratory Services, Illumina
Classification: Uncertain significance for Autosomal recessive early-onset Parkinson disease 6. Last evaluated: 2017-04-27. Review status: criteria provided, single submitter. Criteria: ICSL Variant Classification Criteria 13 December 2019. Collection method: clinical testing. Allele origin: germline.
Comment: This variant was observed as part of a predisposition screen in an ostensibly healthy population. A literature search was performed for the gene, cDNA change, and amino acid change (where applicable). Publications were found based on this search. However, the evidence from the literature, in combination with allele frequency data from public databases where available, was not sufficient to rule this variant in or out of causing disease. Therefore, this variant is classified as a variant of unknown significance.

Athena Diagnostics
Classification: Uncertain significance. Last evaluated: 2016-12-12. Review status: criteria provided, single submitter. Criteria: Athena Diagnostics Criteria. Collection method: clinical testing. Allele origin: germline.

Eurofins Ntd Llc (ga)
Classification: Uncertain significance. Last evaluated: 2016-03-05. Review status: criteria provided, single submitter. Criteria: EGL Classification Definitions 2015. Collection method: clinical testing. Allele origin: germline. Observed: 1 variant allele, 1 heterozygote.

Literature cited by the submitters: PubMed 18685134 (cited by 3 submitters); PubMed 23459931 (cited by Labcorp Genetics (formerly Invitae), Labcorp and Athena Diagnostics); PubMed 18330912 (cited by Illumina Laboratory Services, Illumina and Athena Diagnostics).